The following is an entry in ClinVar:

ClinVar aggregate classification (germline): Uncertain significance (1 of 4 stars; one submission).

Conditions:
Baller-Gerold syndrome (BGS). Also called: CRANIOSYNOSTOSIS WITH RADIAL DEFECTS. Identifiers: Orphanet 1225, MedGen C0265308, MONDO:0009039, OMIM 218600.

Allele frequency attached by ClinVar (database versions not stated): gnomAD exomes below 0.00001.
gnomAD v4.1: 1 of 1,612,518 alleles (0.000062%); highest among the groups gnomAD compares: Non-Finnish European, 0.000085%; no homozygotes.

Submission:

Labcorp Genetics (formerly Invitae), Labcorp
Classification: Uncertain significance for Baller-Gerold syndrome. Last evaluated: 2022-12-26. Review status: criteria provided, single submitter. Criteria: Invitae Variant Classification Sherloc (09022015). Collection method: clinical testing. Allele origin: germline.
Comment: This sequence change replaces leucine, which is neutral and non-polar, with phenylalanine, which is neutral and non-polar, at codon 1203 of the RECQL4 protein (p.Leu1203Phe). This variant is not present in population databases (gnomAD no frequency). This variant has not been reported in the literature in individuals affected with RECQL4-related conditions. Advanced modeling of protein sequence and biophysical properties (such as structural, functional, and spatial information, amino acid conservation, physicochemical variation, residue mobility, and thermodynamic stability) performed at Invitae indicates that this missense variant is expected to disrupt RECQL4 protein function. In summary, the available evidence is currently insufficient to determine the role of this variant in disease. Therefore, it has been classified as a Variant of Uncertain Significance.

NM_004260.4(RECQL4):c.3607C>T (p.Leu1203Phe)

Gene: RECQL4 (RecQ like helicase 4; minus strand). Cytogenetic location: 8q24.3.
Variant type: single nucleotide variant.
Coding change: c.3607C>T on transcript NM_004260.4 (MANE Select); coding-DNA position 3607, C replaced by T.
Protein change: p.Leu1203Phe; replaces leucine 1203 with phenylalanine.
Molecular consequence: missense variant. On other transcripts: non-coding transcript variant (3).
Genome position (GRCh38, 1-based): chr8:144,511,451, G>A on the plus strand (C>T on the coding strand, the complement: RECQL4 is on the minus strand). VCF-style: chr8-144511451-G-A. GRCh37 (hg19) VCF-style: chr8-145736834-G-A.
Other names: c.2536C>T, p.Leu846Phe (NM_001413035.1, NM_001413040.1, NM_001413021.1 and 4 more transcripts); c.3616C>T, p.Leu1206Phe (NM_001413036.1); c.2404C>T, p.Leu802Phe (NM_001413037.1); c.2338C>T, p.Leu780Phe (NM_001413038.1, NM_001413031.1); c.3577C>T, p.Leu1193Phe (NM_001413039.1); c.2545C>T, p.Leu849Phe (NM_001413041.1); c.2506C>T, p.Leu836Phe (NM_001413042.1); c.2140C>T, p.Leu714Phe (NM_001413043.1); and 9 more; short protein forms L1137F, L714F, L824F, L871F, L1086F, L1105F, L1171F, L1228F.
Identifiers: ClinVar variation 2819510 (VCV002819510.3), dbSNP rs2537958208, ClinGen allele CA372665615.